The following is an entry in ClinVar:

NM_002470.4(MYH3):c.3767A>C (p.Gln1256Pro)

Gene: MYH3 (myosin heavy chain 3; minus strand). Cytogenetic location: 17p13.1.
Variant type: single nucleotide variant.
Coding change: c.3767A>C on transcript NM_002470.4 (MANE Select); coding-DNA position 3767, A replaced by C.
Protein change: p.Gln1256Pro; replaces glutamine 1256 with proline.
Molecular consequence: missense variant.
Genome position (GRCh38, 1-based): chr17:10,637,898, T>G on the plus strand (A>C on the coding strand, the complement: MYH3 is on the minus strand). VCF-style: chr17-10637898-T-G. GRCh37 (hg19) VCF-style: chr17-10541215-T-G.
Other names: short protein forms Q1256P.
Identifiers: ClinVar variation 2498693 (VCV002498693.28), dbSNP rs2508591282, ClinGen allele CA398149947.
Genomic context (GRCh38, chr17:10,637,898, plus strand): 5'-GTGGTCAGCTCGCTCAGGCTCCTCTGAATTTCCTCATTCTTGCCCCTGGCCTCACTTAAC[T>G]GATCCTCCAGGGTTCGGCAGATTTTTTCCAGATTTGCCTGAAGGATTCAGAAAGGGGAGC-3'
Protein context (NP_002461.2, residues 1246-1266): LEKICRTLED[Gln1256Pro]LSEARGKNEE

ClinVar aggregate classification (germline): Uncertain significance (1 of 4 stars; one submission).

Submission:

CeGaT Center for Human Genetics Tuebingen
Classification: Uncertain significance. Last evaluated: 2023-01-01. Review status: criteria provided, single submitter. Criteria: CeGaT Center For Human Genetics Tuebingen Variant Classification Criteria Version 2. Collection method: clinical testing. Allele origin: germline. Affected: yes. Observed: 1 variant allele.
Comment: MYH3: PM2, PS2:Moderate